The following is an entry in ClinVar:

ClinVar aggregate classification (germline): Uncertain significance. Review status: criteria provided, multiple submitters, no conflicts (2 of 4 stars). 2 submissions from 2 submitters: Uncertain significance (2). Last evaluated 2026-03-26.

Allele frequency attached by ClinVar (database versions not stated): ExAC 0.00002; gnomAD 0.00002; gnomAD exomes 0.00001; TOPMed 0.00001; ESP Exome Variant Server 0.00008.
gnomAD v4.1: 5 of 1,614,042 alleles (0.00031%); highest among the groups gnomAD compares: African/African-American, 0.0067%; no homozygotes.

Submissions (2):

GeneDx
Classification: Uncertain significance. Last evaluated: 2026-03-26. Review status: criteria provided, single submitter. Criteria: GeneDx Variant Classification Process June 2021. Collection method: clinical testing. Allele origin: germline.
Comment: In silico analysis suggests that this missense variant does not alter protein structure/function; Has not been previously published as pathogenic or benign to our knowledge

Labcorp Genetics (formerly Invitae), Labcorp
Classification: Uncertain significance. Last evaluated: 2025-01-23. Review status: criteria provided, single submitter. Criteria: Invitae Variant Classification Sherloc (09022015). Collection method: clinical testing. Allele origin: germline.
Comment: This sequence change replaces aspartic acid, which is acidic and polar, with glutamic acid, which is acidic and polar, at codon 473 of the ACAD9 protein (p.Asp473Glu). This variant is present in population databases (rs143991763, gnomAD 0.02%). This variant has not been reported in the literature in individuals affected with ACAD9-related conditions. ClinVar contains an entry for this variant (Variation ID: 1466780). Invitae Evidence Modeling of protein sequence and biophysical properties (such as structural, functional, and spatial information, amino acid conservation, physicochemical variation, residue mobility, and thermodynamic stability) indicates that this missense variant is not expected to disrupt ACAD9 protein function with a negative predictive value of 80%. In summary, the available evidence is currently insufficient to determine the role of this variant in disease. Therefore, it has been classified as a Variant of Uncertain Significance.

NM_014049.5(ACAD9):c.1419C>G (p.Asp473Glu)

Gene: ACAD9 (acyl-CoA dehydrogenase family member 9; plus strand). Cytogenetic location: 3q21.3.
Variant type: single nucleotide variant.
Coding change: c.1419C>G on transcript NM_014049.5 (MANE Select); coding-DNA position 1419, C replaced by G.
Protein change: p.Asp473Glu; replaces aspartic acid 473 with glutamic acid.
Molecular consequence: missense variant. On other transcripts: non-coding transcript variant (1).
Genome position (GRCh38, 1-based): chr3:128,909,033, C>G. VCF-style: chr3-128909033-C-G. GRCh37 (hg19) VCF-style: chr3-128627876-C-G.
Other names: c.1419C>G (NM_014049.4); short protein forms D473E.
Identifiers: ClinVar variation 1466780 (VCV001466780.6), dbSNP rs143991763, ClinGen allele CA2601541.